The following is an entry in ClinVar:

GRCh37/hg19 Xp22.31(chrX:6640000-7760000)x0

Genes: PUDP (pseudouridine 5'-phosphatase; minus strand), STS (steroid sulfatase; plus strand). Cytogenetic location: Xp22.31.
Variant type: copy number loss.
Change: copy number 0 of chrX:6,640,000-7,760,000 (1.12 Mb, GRCh37 coordinates, 1-based), cytogenetic band Xp22.31.
Identifiers: ClinVar variation 3770225 (VCV003770225.1).

ClinVar aggregate classification (germline): Pathogenic (1 of 4 stars; one submission).

Submission:

Department of Neurology, Zibo Changguo Hospital
Classification: Pathogenic. Last evaluated: 2025-01-11. Review status: criteria provided, single submitter. Criteria: ACMG/ClinGen CNV Guidelines, 2019. Collection method: clinical testing. Allele origin: unknown.
Comment: This region encompasses the critical locus for X-linked recessive ichthyosis [OMIM: 308100], with 85%-90% of patients developing the condition due to a complete deletion of the steroid sulfatase gene (STS). The ClinGen database has confirmed that the pathogenic mechanism of this deletion region is associated with haploinsufficiency. This copy number variation has not been reported in the DGV database.